The following is an entry in ClinVar:

NM_000553.6(WRN):c.329A>T (p.Tyr110Phe)

Gene: WRN (WRN RecQ like helicase; plus strand). Cytogenetic location: 8p12.
Variant type: single nucleotide variant.
Coding change: c.329A>T on transcript NM_000553.6 (MANE Select); coding-DNA position 329, A replaced by T.
Protein change: p.Tyr110Phe; replaces tyrosine 110 with phenylalanine.
Molecular consequence: missense variant.
Genome position (GRCh38, 1-based): chr8:31,064,408, A>T. VCF-style: chr8-31064408-A-T. GRCh37 (hg19) VCF-style: chr8-30921924-A-T.
Other names: short protein forms Y110F.
Identifiers: ClinVar variation 2750330 (VCV002750330.3), dbSNP rs2130033098, ClinGen allele CA370914394.

ClinVar aggregate classification (germline): Uncertain significance (1 of 4 stars; one submission).

Conditions:
Werner syndrome (WRN). Identifiers: Orphanet 902, MedGen C0043119, MONDO:0010196, OMIM 277700.

Submission:

Labcorp Genetics (formerly Invitae), Labcorp
Classification: Uncertain significance for Werner syndrome. Last evaluated: 2023-08-08. Review status: criteria provided, single submitter. Criteria: Invitae Variant Classification Sherloc (09022015). Collection method: clinical testing. Allele origin: germline.
Comment: An algorithm developed to predict the effect of missense changes on protein structure and function (PolyPhen-2) suggests that this variant is likely to be disruptive. In summary, the available evidence is currently insufficient to determine the role of this variant in disease. Therefore, it has been classified as a Variant of Uncertain Significance. This variant has not been reported in the literature in individuals affected with WRN-related conditions. This variant is not present in population databases (gnomAD no frequency). This sequence change replaces tyrosine, which is neutral and polar, with phenylalanine, which is neutral and non-polar, at codon 110 of the WRN protein (p.Tyr110Phe).